The following is an entry in ClinVar:

ClinVar aggregate classification (germline): Pathogenic. Review status: criteria provided, multiple submitters, no conflicts (2 of 4 stars). 3 submissions from 3 submitters: Pathogenic (3). Last evaluated 2023-11-15.

Conditions:
Familial X-linked hypophosphatemic vitamin D refractory rickets (XLHRD). Also called: X-Linked Hypophosphatemia; Hypophosphatemic Rickets, X-Linked Dominant; HYPOPHOSPHATEMIC VITAMIN D-RESISTANT RICKETS; Hypophosphatemia, vitamin D-resistant rickets; Vitamin D-resistant rickets, X-linked. Identifiers: Orphanet 89936, MedGen C0733682, MONDO:0010619, OMIM 307800.

Submissions (3):

Labcorp Genetics (formerly Invitae), Labcorp
Classification: Pathogenic. Last evaluated: 2023-11-15. Review status: criteria provided, single submitter. Criteria: Invitae Variant Classification Sherloc (09022015). Collection method: clinical testing. Allele origin: germline.
Comment: This sequence change creates a premature translational stop signal (p.Arg664*) in the PHEX gene. It is expected to result in an absent or disrupted protein product. Loss-of-function variants in PHEX are known to be pathogenic (PMID: 9097956, 9106524, 19219621). This variant is not present in population databases (gnomAD no frequency). This premature translational stop signal has been observed in individual(s) with hypophosphatemia (PMID: 9199930). This variant is also known as 1991insTGAC. ClinVar contains an entry for this variant (Variation ID: 438550). For these reasons, this variant has been classified as Pathogenic.

Mendelics
Classification: Pathogenic for Familial X-linked hypophosphatemic vitamin D refractory rickets. Last evaluated: 2022-05-04. Review status: criteria provided, single submitter. Criteria: Mendelics Assertion Criteria 2019. Collection method: clinical testing. Allele origin: germline.

Institute of Human Genetics Munich, TUM University Hospital
Classification: Pathogenic for Familial X-linked hypophosphatemic vitamin D refractory rickets. Last evaluated: 2017-06-12. Review status: criteria provided, single submitter. Criteria: Classification criteria August 2017. Collection method: clinical testing. Allele origin: germline. Inheritance: X-linked inheritance. Affected: yes. Observed: 2 heterozygotes.

Literature cited by the submitters: PubMed 9097956 (cited by Labcorp Genetics (formerly Invitae), Labcorp); PubMed 9106524 (cited by Labcorp Genetics (formerly Invitae), Labcorp); PubMed 19219621 (cited by Labcorp Genetics (formerly Invitae), Labcorp); PubMed 9199930 (cited by Labcorp Genetics (formerly Invitae), Labcorp and Institute of Human Genetics Munich, TUM University Hospital).

NM_000444.6(PHEX):c.1986_1989dup (p.Arg664Ter)

Genes: PHEX (phosphate regulating endopeptidase X-linked; plus strand), PTCHD1-AS (PTCHD1 and PHEX antisense RNA; minus strand). Cytogenetic location: Xp22.11.
Variant type: Duplication.
Coding change: c.1986_1989dup on transcript NM_000444.6 (MANE Select); coding-DNA positions 1986 to 1989, 4 bases duplicated (TGAC; older notation c.1986_1989dupTGAC).
Protein change: p.Arg664Ter; replaces arginine 664 with a stop codon.
Molecular consequence: nonsense. On other transcripts: non-coding transcript variant (1).
Genome position (GRCh38, 1-based): chrX:22,227,527-22,227,530, TGAC duplicated. VCF-style (leftmost placement, unchanged base first): chrX-22227526-A-ATGAC. GRCh37 (hg19) VCF-style: chrX-22245643-A-ATGAC.
Other names: c.1986_1989dup, p.Arg664Ter (NM_001282754.2); short protein forms R664*.
Identifiers: ClinVar variation 438550 (VCV000438550.7), dbSNP rs1556151137, ClinGen allele CA645509397.